The following is an entry in ClinVar:

NM_000059.4(BRCA2):c.757_758del (p.Asp252_Ser253insTer)

Gene: BRCA2 (BRCA2 DNA repair associated; plus strand). Cytogenetic location: 13q13.1.
Variant type: Deletion.
Coding change: c.757_758del on transcript NM_000059.4 (MANE Select); coding-DNA positions 757 to 758, 2 bases deleted (AG; older notation c.757_758delAG).
Protein change: p.Asp252_Ser253insTer.
Molecular consequence: nonsense.
Genome position (GRCh38, 1-based): chr13:32,330,994-32,330,995, AG deleted. VCF-style (leftmost placement, unchanged base first): chr13-32330993-CAG-C. GRCh37 (hg19) VCF-style: chr13-32905130-CAG-C.
Other names: 985_986delAG.
Identifiers: ClinVar variation 267023 (VCV000267023.5), dbSNP rs886040719, ClinGen allele CA10589050.

ClinVar aggregate classification (germline): Pathogenic. Review status: reviewed by expert panel (3 of 4 stars). 2 submissions from 2 submitters: Pathogenic (1). 1 of the submissions does not count toward it. Last evaluated 2016-10-18.

Conditions:
Breast-ovarian cancer, familial, susceptibility to, 2 (BROVCA2). Also called: BRCA2 Hereditary Breast and Ovarian Cancer. Identifiers: Orphanet 145, MedGen C2675520, MONDO:0012933, OMIM 612555. Disease mechanism: loss of function.

Submissions (2):

Evidence-based Network for the Interpretation of Germline Mutant Alleles (ENIGMA)
Classification: Pathogenic for Breast-ovarian cancer, familial, susceptibility to, 2. Last evaluated: 2016-10-18. Review status: reviewed by expert panel. Criteria: ENIGMA BRCA1/2 Classification Criteria (2015). Collection method: curation. Allele origin: germline.
Comment: Variant allele predicted to encode a truncated non-functional protein.

Consortium of Investigators of Modifiers of BRCA1/2 (CIMBA), c/o University of Cambridge
Classification: Pathogenic for Breast-ovarian cancer, familial, susceptibility to, 2. Last evaluated: 2015-10-02. Review status: criteria provided, single submitter. Criteria: CIMBA Mutation Classification guidelines May 2016. Collection method: clinical testing. Allele origin: germline. Not counted in ClinVar's aggregate classification.